The following is an entry in ClinVar:

NM_001039141.3(TRIOBP):c.3761G>T (p.Gly1254Val)

Gene: TRIOBP (TRIO and F-actin binding protein; plus strand). Cytogenetic location: 22q13.1.
Variant type: single nucleotide variant.
Coding change: c.3761G>T on transcript NM_001039141.3 (MANE Select); coding-DNA position 3761, G replaced by T.
Protein change: p.Gly1254Val; replaces glycine 1254 with valine.
Molecular consequence: missense variant.
Genome position (GRCh38, 1-based): chr22:37,726,317, G>T. VCF-style: chr22-37726317-G-T. GRCh37 (hg19) VCF-style: chr22-38122324-G-T.
Other names: short protein forms G1254V.
Identifiers: ClinVar variation 2446211 (VCV002446211.1), dbSNP rs1474481937, ClinGen allele CA411481797.
Genomic context (GRCh38, chr22:37,726,317, plus strand): 5'-CCAGTGACCTAGCGTTCCTGGCACCCTCACCTTCACCGGGCAGCTCTGGGGGCTCCCGGG[G>T]CTCAGCGCCTCCCGGGGAGACCAGGCACAACTTGGAGCGGGAGGAGTACACTGTGCTGGC-3'
Protein context (NP_001034230.1, residues 1244-1264): PSPGSSGGSR[Gly1254Val]SAPPGETRHN

ClinVar aggregate classification (germline): Uncertain significance (1 of 4 stars; one submission).

Allele frequency attached by ClinVar (database versions not stated): gnomAD exomes below 0.00001; gnomAD 0.00001.
gnomAD v4.1: 2 of 1,612,560 alleles (0.00012%); highest among the groups gnomAD compares: Admixed American, 0.0017%; no homozygotes.

Submission:

GeneDx
Classification: Uncertain significance. Last evaluated: 2022-09-21. Review status: criteria provided, single submitter. Criteria: GeneDx Variant Classification Process June 2021. Collection method: clinical testing. Allele origin: germline. Affected: yes.
Comment: Not observed at significant frequency in large population cohorts (gnomAD); In silico analysis supports that this missense variant has a deleterious effect on protein structure/function; Has not been previously published as pathogenic or benign to our knowledge